The following is an entry in ClinVar:

NM_170606.3(KMT2C):c.7762C>T (p.Leu2588=)

Gene: KMT2C (lysine methyltransferase 2C; minus strand). Cytogenetic location: 7q36.1.
Variant type: single nucleotide variant.
Coding change: c.7762C>T on transcript NM_170606.3 (MANE Select); coding-DNA position 7762, C replaced by T.
Protein change: p.Leu2588=; no amino-acid change (leucine 2588 retained).
Molecular consequence: synonymous variant.
Genome position (GRCh38, 1-based): chr7:152,177,691, G>A on the plus strand (C>T on the coding strand, the complement: KMT2C is on the minus strand). VCF-style: chr7-152177691-G-A. GRCh37 (hg19) VCF-style: chr7-151874776-G-A.
Identifiers: ClinVar variation 3389144 (VCV003389144.14).

ClinVar aggregate classification (germline): Likely benign (1 of 4 stars; one submission).

Submission:

CeGaT Center for Human Genetics Tuebingen
Classification: Likely benign. Last evaluated: 2024-09-01. Review status: criteria provided, single submitter. Criteria: CeGaT Center For Human Genetics Tuebingen Variant Classification Criteria Version 2. Collection method: clinical testing. Allele origin: germline. Affected: yes. Observed: 1 variant allele.
Comment: KMT2C: PM2:Supporting, BP4, BP7